The following is an entry in ClinVar:

NM_001287491.2(TET3):c.303+5G>C

Gene: TET3 (tet methylcytosine dioxygenase 3; plus strand). Cytogenetic location: 2p13.1.
Variant type: single nucleotide variant.
Coding change: c.303+5G>C on transcript NM_001287491.2 (MANE Select); 5 bases into the intron after coding-DNA position 303, G replaced by C.
Molecular consequence: intron variant.
Genome position (GRCh38, 1-based): chr2:73,986,711, G>C. VCF-style: chr2-73986711-G-C. GRCh37 (hg19) VCF-style: chr2-74213838-G-C.
Identifiers: ClinVar variation 4539934 (VCV004539934.1).

ClinVar aggregate classification (germline): Uncertain significance (1 of 4 stars; one submission).

Submission:

GeneDx
Classification: Uncertain significance. Last evaluated: 2025-06-27. Review status: criteria provided, single submitter. Criteria: GeneDx Variant Classification Process June 2021. Collection method: clinical testing. Allele origin: germline. Affected: yes.
Comment: Intronic +5 splice site variant in a gene for which loss of function is a known mechanism of disease, and both splice predictors and evolutionary conservation support a deleterious effect, although in the absence of functional evidence the actual effect of this sequence change is unknown.; No data available from control populations to assess the frequency of this variant; Has not been previously published as pathogenic or benign to our knowledge